The following is an entry in ClinVar:

ClinVar aggregate classification (germline): Likely pathogenic (1 of 4 stars; one submission).

Conditions:
Hereditary cancer-predisposing syndrome. Also called: Hereditary Cancer Syndrome; Hereditary neoplastic syndrome; Tumor predisposition; Neoplastic Syndromes, Hereditary. Identifiers: Orphanet 140162, MedGen C0027672, MeSH D009386, MONDO:0015356.

Submission:

Ambry Genetics
Classification: Likely pathogenic for Hereditary cancer-predisposing syndrome. Last evaluated: 2020-01-14. Review status: criteria provided, single submitter. Criteria: Ambry Variant Classification Scheme 2023. Collection method: clinical testing. Allele origin: germline.
Comment: The c.2291_2292insALU likely pathogenic variant results from an Alu element insertion located in coding exon 14 of the RAD50 gene. Alu element insertions have been shown to contribute to pathogenicity by either disrupting a coding region or a splice signal (Belancio VP et al. Semin. Cancer Biol. 2010 Aug;20:200-10; Deininger P. Genome Biol. 2011 Dec;12:236). Based on the majority of available evidence to date, this variant is likely to be pathogenic.

Literature cited by the submitters: PubMed 20600922; PubMed 22204421.

NM_005732.3:c.2291_2292insALU

Gene: RAD50 (RAD50 double strand break repair protein; plus strand).
Variant type: Insertion.
Identifiers: ClinVar variation 1789114 (VCV001789114.2).